The following is an entry in ClinVar:

NM_000088.4(COL1A1):c.3100-6C>T

Gene: COL1A1 (collagen type I alpha 1 chain; minus strand). Cytogenetic location: 17q21.33.
Variant type: single nucleotide variant.
Coding change: c.3100-6C>T on transcript NM_000088.4 (MANE Select); 6 bases into the intron before coding-DNA position 3100, C replaced by T.
Molecular consequence: intron variant.
Genome position (GRCh38, 1-based): chr17:50,188,643, G>A on the plus strand (C>T on the coding strand, the complement: COL1A1 is on the minus strand). VCF-style: chr17-50188643-G-A. GRCh37 (hg19) VCF-style: chr17-48266004-G-A.
Identifiers: ClinVar variation 497919 (VCV000497919.45), dbSNP rs377123276, ClinGen allele CA8644562.
Genomic context (GRCh38, chr17:50,188,643, plus strand): 5'-CAGGAGCACCAGGAGCACCAGGGGGTCCAGCGGGGCCGGTCTCACCACGGTCACCCTGGC[G>A]GGGAGAGCAGGGGAATATGGGTCAGCCCCGGGTGAAGGGCCAGGATGGGGCAGGGAAGCA-3'

ClinVar aggregate classification (germline): Conflicting classifications of pathogenicity. Review status: criteria provided, conflicting classifications (1 of 4 stars). 7 submissions from 7 submitters: Uncertain significance (2); Benign (1); Likely benign (4). Last evaluated 2026-01-19.

Conditions:
Osteogenesis imperfecta type I (OI1). Also called: OI, TYPE I; OSTEOGENESIS IMPERFECTA TARDA; OSTEOGENESIS IMPERFECTA WITH BLUE SCLERAE; Lobstein disease; Lobstein's Disease; Osteogenesis imperfecta type 1. Identifiers: Orphanet 216796, Orphanet 666, MedGen C0023931, MONDO:0008146, OMIM 166200. Disease mechanism: loss of function.

Allele frequency attached by ClinVar (database versions not stated): gnomAD exomes 0.00004 and 0.00009; ExAC 0.00008; 1000 Genomes Project 30x 0.00016; gnomAD 0.00017 and 0.00019; TOPMed 0.00019; 1000 Genomes Project 0.00020; ESP Exome Variant Server 0.00031.
gnomAD v4.1: 87 of 1,613,766 alleles (0.0054%); highest among the groups gnomAD compares: Middle Eastern, 0.066%; no homozygotes.

Submissions (7):

Labcorp Genetics (formerly Invitae), Labcorp
Classification: Likely benign for Osteogenesis imperfecta type I. Last evaluated: 2026-01-19. Review status: criteria provided, single submitter. Criteria: Invitae Variant Classification Sherloc (09022015). Collection method: clinical testing. Allele origin: germline.

Women's Health and Genetics/Laboratory Corporation of America, LabCorp
Classification: Benign. Last evaluated: 2025-04-30. Review status: criteria provided, single submitter. Criteria: LabCorp Variant Classification Summary - May 2015. Collection method: clinical testing. Allele origin: germline.
Comment: Variant summary: COL1A1 c.3100-6C>T alters a nucleotide located at a position not widely known to affect splicing. Consensus agreement among computation tools predict no significant impact on normal splicing. However, these predictions have yet to be confirmed by functional studies. The variant allele was found at a frequency of 8.8e-05 in 250522 control chromosomes. The observed variant frequency is approximately 3.12 fold of the estimated maximal expected allele frequency for a pathogenic variant in COL1A1 causing Osteogenesis Imperfecta phenotype (2.8e-05). To our knowledge, no occurrence of c.3100-6C>T in individuals affected with Osteogenesis Imperfecta and no experimental evidence demonstrating its impact on protein function have been reported. ClinVar contains an entry for this variant (Variation ID: 497919). Based on the evidence outlined above, the variant was classified as benign.

Blueprint Genetics
Classification: Likely benign. Last evaluated: 2024-09-16. Review status: criteria provided, single submitter. Criteria: ACMG Guidelines, 2015. Collection method: clinical testing. Allele origin: germline.

ARUP Laboratories, Molecular Genetics and Genomics, ARUP Laboratories
Classification: Uncertain significance. Last evaluated: 2023-11-06. Review status: criteria provided, single submitter. Criteria: ARUP Molecular Germline Variant Investigation Process 2024. Collection method: clinical testing. Allele origin: germline.

CeGaT Center for Human Genetics Tuebingen
Classification: Likely benign. Last evaluated: 2023-11-01. Review status: criteria provided, single submitter. Criteria: CeGaT Center For Human Genetics Tuebingen Variant Classification Criteria Version 2. Collection method: clinical testing. Allele origin: germline. Affected: yes. Observed: 1 variant allele.
Comment: COL1A1: BP4

GeneDx
Classification: Likely benign. Last evaluated: 2019-07-11. Review status: criteria provided, single submitter. Criteria: GeneDx Variant Classification Process June 2021. Collection method: clinical testing. Allele origin: germline. Affected: yes.

Eurofins Ntd Llc (ga)
Classification: Uncertain significance. Last evaluated: 2016-11-08. Review status: criteria provided, single submitter. Criteria: EGL Classification Definitions 2015. Collection method: clinical testing. Allele origin: germline. Observed: 1 variant allele, 1 heterozygote.